The following is an entry in ClinVar:

ClinVar aggregate classification (germline): Likely pathogenic (0 of 4 stars; one submission).

Conditions:
CHD7-related disorder. Also called: CHD7-related condition.

Submission:

PreventionGenetics, part of Exact Sciences
Classification: Likely pathogenic for CHD7-related condition. Last evaluated: 2024-06-06. Review status: no assertion criteria provided. Collection method: clinical testing. Allele origin: germline.
Comment: The CHD7 c.3778G>T variant is predicted to result in the amino acid substitution p.Gly1260Cys. To our knowledge, this variant has not been reported in the literature or in a large population database, indicating this variant is rare. This variant is interpreted as likely pathogenic.

NM_017780.4(CHD7):c.3778G>T (p.Gly1260Cys)

Gene: CHD7 (chromodomain helicase DNA binding protein 7; plus strand). Cytogenetic location: 8q12.2.
Variant type: single nucleotide variant.
Coding change: c.3778G>T on transcript NM_017780.4 (MANE Select); coding-DNA position 3778, G replaced by T.
Protein change: p.Gly1260Cys; replaces glycine 1260 with cysteine.
Molecular consequence: missense variant. On other transcripts: intron variant (1).
Genome position (GRCh38, 1-based): chr8:60,830,577, G>T. VCF-style: chr8-60830577-G-T. GRCh37 (hg19) VCF-style: chr8-61743136-G-T.
Other names: c.1717-31652G>T (NM_001316690.1); short protein forms G1260C.
Identifiers: ClinVar variation 3348408 (VCV003348408.1).
Genomic context (GRCh38, chr8:60,830,577, plus strand): 5'-AACCTATTAAACACTATGATGGAATTGCGGAAGTGCTGCAATCATCCGTACCTTATCAAT[G>T]GTAAGGCTGCCCTGCTCGCGAACTTGCTTAAGTGACGATTGAAGCACCAGAAATCCCTTT-3'
Protein context (NP_060250.2, residues 1250-1270): KCCNHPYLIN[Gly1260Cys]AEEKILEEFK